The following is an entry in ClinVar:

ClinVar aggregate classification (germline): Uncertain significance. Review status: criteria provided, multiple submitters, no conflicts (2 of 4 stars). 2 submissions from 2 submitters: Uncertain significance (2). Last evaluated 2023-12-13.

Allele frequency attached by ClinVar (database versions not stated): ExAC 0.00001; gnomAD 0.00001; TOPMed 0.00001; gnomAD exomes 0.00002; ESP Exome Variant Server 0.00008.
gnomAD v4.1: 30 of 1,613,872 alleles (0.0019%); highest among the groups gnomAD compares: Middle Eastern, 0.016%; no homozygotes.

Submissions (2):

Ambry Genetics
Classification: Uncertain significance. Last evaluated: 2023-12-13. Review status: criteria provided, single submitter. Criteria: Ambry Variant Classification Scheme 2023. Collection method: clinical testing. Allele origin: germline.

GeneDx
Classification: Uncertain significance. Last evaluated: 2022-08-26. Review status: criteria provided, single submitter. Criteria: GeneDx Variant Classification Process June 2021. Collection method: clinical testing. Allele origin: germline. Affected: yes.
Comment: In silico analysis supports that this missense variant does not alter protein structure/function; Has not been previously published as pathogenic or benign to our knowledge

NM_003668.4(MAPKAPK5):c.1017C>G (p.Asn339Lys)

Gene: MAPKAPK5 (MAPK activated protein kinase 5; plus strand). Cytogenetic location: 12q24.12.
Variant type: single nucleotide variant.
Coding change: c.1017C>G on transcript NM_003668.4 (MANE Select); coding-DNA position 1017, C replaced by G.
Protein change: p.Asn339Lys; replaces asparagine 339 with lysine.
Molecular consequence: missense variant.
Genome position (GRCh38, 1-based): chr12:111,888,535, C>G. VCF-style: chr12-111888535-C-G. GRCh37 (hg19) VCF-style: chr12-112326339-C-G.
Other names: c.1017C>G, p.Asn339Lys (NM_001371479.1, NM_001371480.1, NM_139078.3); c.936C>G, p.Asn312Lys (NM_001371481.1); c.927C>G, p.Asn309Lys (NM_001371482.1, NM_001371483.1); c.915C>G, p.Asn305Lys (NM_001371484.1); c.810C>G, p.Asn270Lys (NM_001371485.1, NM_001371486.1); c.720C>G, p.Asn240Lys (NM_001371487.1); c.1017C>G (NM_139078.1); short protein forms N240K, N270K, N305K, N309K, N312K, N339K.
Identifiers: ClinVar variation 2430980 (VCV002430980.2), dbSNP rs374501499, ClinGen allele CA6793564.